The following is an entry in ClinVar:

ClinVar aggregate classification (germline): Uncertain significance. Review status: criteria provided, multiple submitters, no conflicts (2 of 4 stars). 3 submissions from 3 submitters: Uncertain significance (3). Last evaluated 2025-12-22.

Conditions:
Hereditary cancer-predisposing syndrome. Also called: Tumor predisposition; Hereditary Cancer Syndrome; Neoplastic Syndromes, Hereditary; Hereditary neoplastic syndrome. Identifiers: Orphanet 140162, MedGen C0027672, MeSH D009386, MONDO:0015356.
Familial cancer of breast. Also called: Hereditary breast cancer; BREAST CANCER, FAMILIAL; hereditary breast carcinoma. Identifiers: Orphanet 227535, MedGen C0346153, MONDO:0016419, OMIM 114480. Disease mechanism: loss of function.

Allele frequency attached by ClinVar (database versions not stated): gnomAD exomes below 0.00001; gnomAD 0.00003.

Submissions (3):

Ambry Genetics
Classification: Uncertain significance for Hereditary cancer-predisposing syndrome. Last evaluated: 2025-12-22. Review status: criteria provided, single submitter. Criteria: Ambry Variant Classification Scheme 2023. Collection method: clinical testing. Allele origin: germline.
Comment: The p.Y651C variant (also known as c.1952A>G), located in coding exon 10 of the BARD1 gene, results from an A to G substitution at nucleotide position 1952. The tyrosine at codon 651 is replaced by cysteine, an amino acid with highly dissimilar properties. This amino acid position is well conserved in available vertebrate species. In addition, the in silico prediction for this alteration is inconclusive. Since supporting evidence is limited at this time, the clinical significance of this alteration remains unclear.

Labcorp Genetics (formerly Invitae), Labcorp
Classification: Uncertain significance for Familial cancer of breast. Last evaluated: 2024-08-13. Review status: criteria provided, single submitter. Criteria: Invitae Variant Classification Sherloc (09022015). Collection method: clinical testing. Allele origin: germline.
Comment: This sequence change replaces tyrosine, which is neutral and polar, with cysteine, which is neutral and slightly polar, at codon 651 of the BARD1 protein (p.Tyr651Cys). This variant is present in population databases (no rsID available, gnomAD 0.007%). This variant has not been reported in the literature in individuals affected with BARD1-related conditions. ClinVar contains an entry for this variant (Variation ID: 479175). An algorithm developed to predict the effect of missense changes on protein structure and function (PolyPhen-2) suggests that this variant is likely to be disruptive. In summary, the available evidence is currently insufficient to determine the role of this variant in disease. Therefore, it has been classified as a Variant of Uncertain Significance.

Color Diagnostics, LLC DBA Color Health
Classification: Uncertain significance for Hereditary cancer-predisposing syndrome. Last evaluated: 2024-03-06. Review status: criteria provided, single submitter. Criteria: ACMG Guidelines, 2015. Collection method: clinical testing. Allele origin: germline.
Comment: This missense variant replaces tyrosine with cysteine at codon 651 of the BARD1 protein. Computational prediction is inconclusive regarding the impact of this variant on protein structure and function (internally defined REVEL score threshold 0.5 < inconclusive < 0.7, PMID: 27666373). To our knowledge, functional studies have not been reported for this variant. This variant has not been reported in individuals affected with hereditary cancer in the literature. This variant has been identified in 1/31406 chromosomes in the general population by the Genome Aggregation Database (gnomAD). The available evidence is insufficient to determine the role of this variant in disease conclusively. Therefore, this variant is classified as a Variant of Uncertain Significance.

NM_000465.4(BARD1):c.1952A>G (p.Tyr651Cys)

Gene: BARD1 (BRCA1 associated RING domain 1; minus strand). Cytogenetic location: 2q35.
Variant type: single nucleotide variant.
Coding change: c.1952A>G on transcript NM_000465.4 (MANE Select); coding-DNA position 1952, A replaced by G.
Protein change: p.Tyr651Cys; replaces tyrosine 651 with cysteine.
Molecular consequence: missense variant. On other transcripts: non-coding transcript variant (3).
Genome position (GRCh38, 1-based): chr2:214,730,460, T>C on the plus strand (A>G on the coding strand, the complement: BARD1 is on the minus strand). VCF-style: chr2-214730460-T-C. GRCh37 (hg19) VCF-style: chr2-215595184-T-C.
Other names: c.1895A>G, p.Tyr632Cys (NM_001282543.2); c.599A>G, p.Tyr200Cys (NM_001282545.2); c.542A>G, p.Tyr181Cys (NM_001282548.2); c.413A>G, p.Tyr138Cys (NM_001282549.2); short protein forms Y651C, Y181C, Y138C, Y632C, Y200C.
Identifiers: ClinVar variation 479175 (VCV000479175.21), dbSNP rs1372548495, ClinGen allele CA350451172.
Genomic context (GRCh38, chr2:214,730,460, plus strand): 5'-AAGAAAAATACCAGCTGTTCTCTGTTGAGCCTGCTTCTGCGTGGACCTTCAGGAATTTCA[T>C]ACTTTTCTTCCTGTTCACATACTTTTCTTCGTAGACATGCTTTTACCCCTGACAAAAACA-3'
Protein context (NP_000456.2, residues 641-661): RRKVCEQEEK[Tyr651Cys]EIPEGPRRSR